The following is an entry in ClinVar:

NM_001844.5(COL2A1):c.1639G>T (p.Asp547Tyr)

Gene: COL2A1 (collagen type II alpha 1 chain; minus strand). Cytogenetic location: 12q13.11.
Variant type: single nucleotide variant.
Coding change: c.1639G>T on transcript NM_001844.5 (MANE Select); coding-DNA position 1639, G replaced by T.
Protein change: p.Asp547Tyr; replaces aspartic acid 547 with tyrosine.
Molecular consequence: missense variant.
Genome position (GRCh38, 1-based): chr12:47,985,769, C>A on the plus strand (G>T on the coding strand, the complement: COL2A1 is on the minus strand). VCF-style: chr12-47985769-C-A. GRCh37 (hg19) VCF-style: chr12-48379552-C-A.
Other names: c.1432G>T, p.Asp478Tyr (NM_033150.3); short protein forms D478Y, D547Y.
Identifiers: ClinVar variation 3660879 (VCV003660879.2).

ClinVar aggregate classification (germline): Uncertain significance (1 of 4 stars; one submission).

Submission:

Labcorp Genetics (formerly Invitae), Labcorp
Classification: Uncertain significance. Last evaluated: 2024-08-04. Review status: criteria provided, single submitter. Criteria: Invitae Variant Classification Sherloc (09022015). Collection method: clinical testing. Allele origin: germline.
Comment: This sequence change replaces aspartic acid, which is acidic and polar, with tyrosine, which is neutral and polar, at codon 547 of the COL2A1 protein (p.Asp547Tyr). This variant is not present in population databases (gnomAD no frequency). This variant has not been reported in the literature in individuals affected with COL2A1-related conditions. Advanced modeling of protein sequence and biophysical properties (such as structural, functional, and spatial information, amino acid conservation, physicochemical variation, residue mobility, and thermodynamic stability) has been performed at Invitae for this missense variant, however the output from this modeling did not meet the statistical confidence thresholds required to predict the impact of this variant on COL2A1 protein function. In summary, the available evidence is currently insufficient to determine the role of this variant in disease. Therefore, it has been classified as a Variant of Uncertain Significance.